The following is an entry in ClinVar:

NM_014845.6(FIG4):c.2509C>T (p.Gln837Ter)

Gene: FIG4 (FIG4 phosphoinositide 5-phosphatase; plus strand). Cytogenetic location: 6q21.
Variant type: single nucleotide variant.
Coding change: c.2509C>T on transcript NM_014845.6 (MANE Select); coding-DNA position 2509, C replaced by T.
Protein change: p.Gln837Ter; replaces glutamine 837 with a stop codon.
Molecular consequence: nonsense.
Genome position (GRCh38, 1-based): chr6:109,796,814, C>T. VCF-style: chr6-109796814-C-T. GRCh37 (hg19) VCF-style: chr6-110118017-C-T.
Other names: short protein forms Q837*.
Identifiers: ClinVar variation 1709499 (VCV001709499.2), dbSNP rs2486243668, ClinGen allele CA365220024.

ClinVar aggregate classification (germline): Uncertain significance (1 of 4 stars; one submission).

Conditions:
Amyotrophic lateral sclerosis type 11 (ALS11). Identifiers: Orphanet 803, MedGen C2675491, MONDO:0012945, OMIM 612577.

Submission:

MGZ Medical Genetics Center
Classification: Uncertain significance for Amyotrophic lateral sclerosis type 11. Last evaluated: 2022-06-23. Review status: criteria provided, single submitter. Criteria: ACMG Guidelines, 2015. Collection method: clinical testing. Allele origin: germline. Affected: yes. Observed: 1 variant allele.
Comment: ACMG criteria applied: PM2_SUP